The following is an entry in ClinVar:

ClinVar aggregate classification (germline): Uncertain significance (1 of 4 stars; one submission).

Conditions:
PLXNA3-related disorder. Also called: PLXNA3-related condition.

gnomAD v4.1: 10 of 1,209,705 alleles (0.00083%); highest among the groups gnomAD compares: Non-Finnish European, 0.0011%; no homozygotes.

Submission:

PreventionGenetics, part of Exact Sciences
Classification: Uncertain significance for PLXNA3-related condition. Last evaluated: 2026-05-13. Review status: criteria provided, single submitter. Criteria: ACMG Guidelines, 2015. Collection method: clinical testing. Allele origin: germline.
Comment: The PLXNA3 c.5135G>A variant is predicted to result in the amino acid substitution p.Arg1712His. To our knowledge, this variant has not been reported in the literature or in a large population database (gnomAD), indicating this variant is rare. At this time, the clinical significance of this variant is uncertain due to the absence of conclusive functional and genetic evidence.

NM_017514.5(PLXNA3):c.5135G>A (p.Arg1712His)

Gene: PLXNA3 (plexin A3; plus strand). Cytogenetic location: Xq28.
Variant type: single nucleotide variant.
Coding change: c.5135G>A on transcript NM_017514.5 (MANE Select); coding-DNA position 5135, G replaced by A.
Protein change: p.Arg1712His; replaces arginine 1712 with histidine.
Molecular consequence: missense variant.
Genome position (GRCh38, 1-based): chrX:154,470,590, G>A. VCF-style: chrX-154470590-G-A. GRCh37 (hg19) VCF-style: chrX-153698933-G-A.
Other names: short protein forms R1712H.
Identifiers: ClinVar variation 4993533 (VCV004993533.1).